The following is an entry in ClinVar:

ClinVar aggregate classification (germline): Uncertain significance (1 of 4 stars; one submission).

Conditions:
STING-associated vasculopathy with onset in infancy. Also called: Sting-associated vasculopathy, infantile-onset. Identifiers: Orphanet 425120, MedGen C4014722, MONDO:0014405, OMIM 615934.

Submission:

Labcorp Genetics (formerly Invitae), Labcorp
Classification: Uncertain significance for STING-associated vasculopathy with onset in infancy. Last evaluated: 2023-08-30. Review status: criteria provided, single submitter. Criteria: Invitae Variant Classification Sherloc (09022015). Collection method: clinical testing. Allele origin: germline.
Comment: This variant is not present in population databases (gnomAD no frequency). In summary, the available evidence is currently insufficient to determine the role of this variant in disease. Therefore, it has been classified as a Variant of Uncertain Significance. Advanced modeling of protein sequence and biophysical properties (such as structural, functional, and spatial information, amino acid conservation, physicochemical variation, residue mobility, and thermodynamic stability) performed at Invitae indicates that this missense variant is not expected to disrupt TMEM173 protein function. This variant has not been reported in the literature in individuals affected with TMEM173-related conditions. This sequence change replaces valine, which is neutral and non-polar, with phenylalanine, which is neutral and non-polar, at codon 24 of the TMEM173 protein (p.Val24Phe).

NM_198282.4(STING1):c.70G>T (p.Val24Phe)

Gene: STING1 (stimulator of interferon response cGAMP interactor 1; minus strand). Cytogenetic location: 5q31.2.
Variant type: single nucleotide variant.
Coding change: c.70G>T on transcript NM_198282.4 (MANE Select); coding-DNA position 70, G replaced by T.
Protein change: p.Val24Phe; replaces valine 24 with phenylalanine.
Molecular consequence: missense variant. On other transcripts: intron variant (1).
Genome position (GRCh38, 1-based): chr5:139,481,635, C>A on the plus strand (G>T on the coding strand, the complement: STING1 is on the minus strand). VCF-style: chr5-139481635-C-A. GRCh37 (hg19) VCF-style: chr5-138861220-C-A.
Other names: c.70G>T, p.Val24Phe (NM_001301738.2); c.-130-293G>T (NM_001367258.1); short protein forms V24F.
Identifiers: ClinVar variation 2815089 (VCV002815089.3), dbSNP rs773444460, ClinGen allele CA361481918.
Genomic context (GRCh38, chr5:139,481,635, plus strand): 5'-GAGTGTGCTCTGGTGGCTCTCCTAGCCCCCAAAGGGTCACCAGGCAGGCACTCAGCAGAA[C>A]CAAGGCTGCCTTCTGGGCCCCGTGACCCCTGGGACACGGGATGGATGGATGCAGGCTGGA-3'
Protein context (NP_938023.1, residues 14-34): RGHGAQKAAL[Val24Phe]LLSACLVTLW